The following is an entry in ClinVar:

NM_022132.5(MCCC2):c.1073-9T>C

Gene: MCCC2 (methylcrotonyl-CoA carboxylase subunit 2; plus strand). Cytogenetic location: 5q13.2.
Variant type: single nucleotide variant.
Coding change: c.1073-9T>C on transcript NM_022132.5 (MANE Select); 9 bases into the intron before coding-DNA position 1073, T replaced by C.
Molecular consequence: intron variant.
Genome position (GRCh38, 1-based): chr5:71,643,810, T>C. VCF-style: chr5-71643810-T-C. GRCh37 (hg19) VCF-style: chr5-70939637-T-C.
Other names: c.959-9T>C (NM_001363147.1); c.1073-9T>C (NM_022132.4).
Identifiers: ClinVar variation 2161226 (VCV002161226.3), dbSNP rs769826125, ClinGen allele CA3298024.
Genomic context (GRCh38, chr5:71,643,810, plus strand): 5'-CCTCTTTCTTGTGAATTGAAGCCCTTGGAAAAGCACAAGACATAAATCTTCTTTGAACTT[T>C]CTTTTGAGGATTTGCTCGAATATTTGGGTACCCAGTAGGTATCGTTGGAAACAACGGAGT-3'

ClinVar aggregate classification (germline): Uncertain significance. Review status: criteria provided, single submitter (1 of 4 stars). 2 submissions from 2 submitters: Uncertain significance (1). 1 of the submissions does not count toward it. Last evaluated 2022-08-20.

Conditions:
MCCC2-related disorder. Also called: MCCC2-related condition.
3-methylcrotonyl-CoA carboxylase 2 deficiency. Also called: METHYLCROTONYLGLYCINURIA, TYPE II; 3 alpha methylcrotonyl-CoA carboxylase 2 deficiency; 3 alpha methylcrotonylglycinuria 2; MCC 2 deficiency; Methylcrotonylglycinuria type 2. Identifiers: Orphanet 6, MedGen C1859499, MONDO:0008862, OMIM 210210.

Allele frequency attached by ClinVar (database versions not stated): ExAC 0.00002.
gnomAD v4.1: 5 of 1,614,144 alleles (0.00031%); highest among the groups gnomAD compares: Non-Finnish European, 0.00042%; no homozygotes.

Submissions (2):

Labcorp Genetics (formerly Invitae), Labcorp
Classification: Uncertain significance for 3-methylcrotonyl-CoA carboxylase 2 deficiency. Last evaluated: 2022-08-20. Review status: criteria provided, single submitter. Criteria: Invitae Variant Classification Sherloc (09022015). Collection method: clinical testing. Allele origin: germline.
Comment: This sequence change falls in intron 11 of the MCCC2 gene. It does not directly change the encoded amino acid sequence of the MCCC2 protein. This variant is present in population databases (rs769826125, gnomAD 0.002%). This variant has not been reported in the literature in individuals affected with MCCC2-related conditions. Algorithms developed to predict the effect of sequence changes on RNA splicing suggest that this variant may disrupt the consensus splice site. In summary, the available evidence is currently insufficient to determine the role of this variant in disease. Therefore, it has been classified as a Variant of Uncertain Significance.

PreventionGenetics, part of Exact Sciences
Classification: Likely benign for MCCC2-related condition. Last evaluated: 2023-05-23. Review status: no assertion criteria provided. Collection method: clinical testing. Allele origin: germline. Not counted in ClinVar's aggregate classification.
Comment: This variant is classified as likely benign based on ACMG/AMP sequence variant interpretation guidelines (Richards et al. 2015 PMID: 25741868, with internal and published modifications).